The following is an entry in ClinVar:

ClinVar aggregate classification (germline): Uncertain significance (1 of 4 stars; one submission).

Submission:

GeneDx
Classification: Uncertain significance. Last evaluated: 2022-08-29. Review status: criteria provided, single submitter. Criteria: GeneDx Variant Classification Process June 2021. Collection method: clinical testing. Allele origin: germline. Affected: yes.
Comment: Not observed at significant frequency in large population cohorts (gnomAD); In silico analysis supports that this missense variant does not alter protein structure/function; Has not been previously published as pathogenic or benign to our knowledge

NM_001606.5(ABCA2):c.1000C>G (p.Leu334Val)

Gene: ABCA2 (ATP binding cassette subfamily A member 2; minus strand). Cytogenetic location: 9q34.3.
Variant type: single nucleotide variant.
Coding change: c.1000C>G on transcript NM_001606.5 (MANE Select); coding-DNA position 1000, C replaced by G.
Protein change: p.Leu334Val; replaces leucine 334 with valine.
Molecular consequence: missense variant.
Genome position (GRCh38, 1-based): chr9:137,020,959, G>C on the plus strand (C>G on the coding strand, the complement: ABCA2 is on the minus strand). VCF-style: chr9-137020959-G-C. GRCh37 (hg19) VCF-style: chr9-139915411-G-C.
Other names: c.997C>G, p.Leu333Val (NM_001411042.1); c.1090C>G, p.Leu364Val (NM_212533.3); short protein forms L333V, L334V, L364V.
Identifiers: ClinVar variation 2442579 (VCV002442579.1), dbSNP rs868761608, ClinGen allele CA375676593.